The following is an entry in ClinVar:

NM_000059.4(BRCA2):c.1854_1855delinsAG (p.Gln619Glu)

Gene: BRCA2 (BRCA2 DNA repair associated; plus strand). Cytogenetic location: 13q13.1.
Variant type: Indel.
Coding change: c.1854_1855delinsAG on transcript NM_000059.4 (MANE Select); coding-DNA positions 1854 to 1855, CC replaced by AG.
Protein change: p.Gln619Glu; replaces glutamine 619 with glutamic acid.
Molecular consequence: missense variant. On other transcripts: non-coding transcript variant (1), intron variant (1).
Genome position (GRCh38, 1-based): chr13:32,333,332-32,333,333, CC replaced by AG. VCF-style: chr13-32333332-CC-AG. GRCh37 (hg19) VCF-style: chr13-32907469-CC-AG.
Other names: c.1854_1855delinsAG, p.Gln619Glu (NM_001406719.1, NM_001406720.1, NM_001406721.1); c.424+2302_424+2303delinsAG (NM_001406722.1); short protein forms Q619E.
Identifiers: ClinVar variation 2710280 (VCV002710280.3), dbSNP rs2548521193, ClinGen allele CA2697551744.
Genomic context (GRCh38, chr13:32,333,332, plus strand): 5'-ATCTTATAAAGGAAAAAAAATACCGAAAGACCAAAAATCAGAACTAATTAACTGTTCAGC[CC>AG]AGTTTGAAGCAAATGCTTTTGAAGCACCACTTACATTTGCAAATGCTGATTCAGGTACCT-3'
Protein context (NP_000050.3, residues 609-629): QKSELINCSA[Gln619Glu]FEANAFEAPL

ClinVar aggregate classification (germline): Uncertain significance (1 of 4 stars; one submission).

Conditions:
Hereditary breast ovarian cancer syndrome. Also called: Hereditary breast and ovarian cancer syndrome; Hereditary breast and ovarian cancer syndrome (HBOC); Hereditary breast and/or ovarian cancer syndrome; Hereditary breast and ovarian cancer; Breast and ovarian cancer; BRCA1- and BRCA2-Associated Hereditary Breast and Ovarian Cancer. Identifiers: Orphanet 145, MedGen C0677776, MeSH D061325, MONDO:0003582. Disease mechanism: loss of function.

Submission:

Labcorp Genetics (formerly Invitae), Labcorp
Classification: Uncertain significance for Hereditary breast ovarian cancer syndrome. Last evaluated: 2024-01-19. Review status: criteria provided, single submitter. Criteria: Invitae Variant Classification Sherloc (09022015). Collection method: clinical testing. Allele origin: germline.
Comment: This sequence change replaces glutamine, which is neutral and polar, with glutamic acid, which is acidic and polar, at codon 619 of the BRCA2 protein (p.Gln619Glu). Information on the frequency of this variant in the gnomAD database is not available, as this variant may be reported differently in the database. This variant has not been reported in the literature in individuals affected with BRCA2-related conditions. Experimental studies and prediction algorithms are not available or were not evaluated, and the functional significance of this variant is currently unknown. In summary, the available evidence is currently insufficient to determine the role of this variant in disease. Therefore, it has been classified as a Variant of Uncertain Significance.